The following is an entry in ClinVar:

ClinVar aggregate classification (germline): Uncertain significance (1 of 4 stars; one submission).

Conditions:
Hereditary pheochromocytoma and paraganglioma. Also called: Hereditary paragangliomas and pheochromocytomas; Hereditary Paraganglioma-Pheochromocytoma Syndromes; Hereditary pheochromocytoma-paraganglioma. Identifiers: Orphanet 29072, MedGen C4274332, MONDO:0017366.

Allele frequency attached by ClinVar (database versions not stated): gnomAD 0.00001.
gnomAD v4.1: 4 of 992,106 alleles (0.0004%); highest among the groups gnomAD compares: Non-Finnish European, 0.00065%; no homozygotes.

Submission:

Labcorp Genetics (formerly Invitae), Labcorp
Classification: Uncertain significance for Hereditary pheochromocytoma and paraganglioma. Last evaluated: 2023-10-06. Review status: criteria provided, single submitter. Criteria: Invitae Variant Classification Sherloc (09022015). Collection method: clinical testing. Allele origin: germline.
Comment: This sequence change falls in intron 1 of the SDHAF2 gene. It does not directly change the encoded amino acid sequence of the SDHAF2 protein. RNA analysis indicates that this variant induces altered splicing and may result in an absent or disrupted protein product. This variant is not present in population databases (gnomAD no frequency). This variant has not been reported in the literature in individuals affected with SDHAF2-related conditions. Studies have shown that this variant results in activation of a cryptic splice site and introduces a premature termination codon (Invitae). The resulting mRNA is expected to undergo nonsense-mediated decay. In summary, the available evidence is currently insufficient to determine the role of this variant in disease. Therefore, it has been classified as a Variant of Uncertain Significance.

NM_017841.4(SDHAF2):c.37-113T>G

Gene: SDHAF2 (succinate dehydrogenase complex assembly factor 2; plus strand). Cytogenetic location: 11q12.2.
Variant type: single nucleotide variant.
Coding change: c.37-113T>G on transcript NM_017841.4 (MANE Select); 113 bases into the intron before coding-DNA position 37, T replaced by G.
Molecular consequence: intron variant.
Genome position (GRCh38, 1-based): chr11:61,437,512, T>G. VCF-style: chr11-61437512-T-G. GRCh37 (hg19) VCF-style: chr11-61204984-T-G.
Identifiers: ClinVar variation 2910041 (VCV002910041.3), dbSNP rs752630870, ClinGen allele CA222877140.